The following is an entry in ClinVar:

ClinVar aggregate classification (germline): Likely pathogenic. Review status: criteria provided, multiple submitters, no conflicts (2 of 4 stars). 2 submissions from 2 submitters: Likely pathogenic (2). Last evaluated 2024-12-01.

Conditions:
Inborn genetic diseases. Identifiers: MedGen C0950123, MeSH D030342.

Allele frequency attached by ClinVar (database versions not stated): gnomAD exomes below 0.00001; gnomAD 0.00001; TOPMed 0.00001.
gnomAD v4.1: 4 of 1,612,070 alleles (0.00025%); highest among the groups gnomAD compares: Admixed American, 0.0033%; no homozygotes.

Submissions (2):

CeGaT Center for Human Genetics Tuebingen
Classification: Likely pathogenic. Last evaluated: 2024-12-01. Review status: criteria provided, single submitter. Criteria: CeGaT Center For Human Genetics Tuebingen Variant Classification Criteria Version 2. Collection method: clinical testing. Allele origin: germline. Affected: yes. Observed: 1 variant allele.
Comment: POLR3B: PVS1:Strong, PM2

Ambry Genetics
Classification: Likely pathogenic for Inborn genetic diseases. Last evaluated: 2023-06-08. Review status: criteria provided, single submitter. Criteria: Ambry Variant Classification Scheme 2023. Collection method: clinical testing. Allele origin: germline.
Comment: The c.1263+1G>A intronic alteration consists of a G to A substitution one nucleotide after coding exon 13 of the POLR3B gene. Alterations that disrupt the canonical splice site are expected to result in aberrant splicing. The resulting transcript is predicted to be in-frame and is not expected to trigger nonsense-mediated mRNAdecay; however, direct evidence is unavailable. The exact functional effect of the altered amino acid sequence is unknown._x000D_ _x000D_ Based on the available evidence, the POLR3B c.1263+1G>A alteration is classified as likely pathogenic for autosomal recessive POLR3B-related hypomyelinating leukodystrophy; however, its clinical significance for autosomal dominant POLR3B-related Charcot-Marie-Tooth disease type 1 is unclear. This variant was not reported in population-based cohorts in the Genome Aggregation Database (gnomAD). This nucleotide position is highly conserved in available vertebrate species. In silico splice site analysis predicts that this alteration will weaken the native splice donor site and will result in the creation or strengthening of a novel splice donor site. Based on the available evidence, this alteration is classified as likely pathogenic.

Literature cited by the submitters: PubMed 25339210 (cited by Ambry Genetics); PubMed 32342562 (cited by Ambry Genetics).

NM_018082.6(POLR3B):c.1263+1G>A

Gene: POLR3B (RNA polymerase III subunit B; plus strand). Cytogenetic location: 12q23.3.
Variant type: single nucleotide variant.
Coding change: c.1263+1G>A on transcript NM_018082.6 (MANE Select); the canonical splice donor site of the intron after coding-DNA position 1263, G replaced by A.
Molecular consequence: splice donor variant.
Genome position (GRCh38, 1-based): chr12:106,427,359, G>A. VCF-style: chr12-106427359-G-A. GRCh37 (hg19) VCF-style: chr12-106821137-G-A.
Other names: c.1089+1G>A (NM_001160708.2).
Identifiers: ClinVar variation 632180 (VCV000632180.21), dbSNP rs1565893138, ClinGen allele CA386388706.